The following is an entry in ClinVar:

NM_182914.3(SYNE2):c.16737G>A (p.Thr5579=)

Gene: SYNE2 (spectrin repeat containing nuclear envelope protein 2; plus strand). Cytogenetic location: 14q23.2.
Variant type: single nucleotide variant.
Coding change: c.16737G>A on transcript NM_182914.3 (MANE Select); coding-DNA position 16737, G replaced by A.
Protein change: p.Thr5579=; no amino-acid change (threonine 5579 retained).
Molecular consequence: synonymous variant.
Genome position (GRCh38, 1-based): chr14:64,167,364, G>A. VCF-style: chr14-64167364-G-A. GRCh37 (hg19) VCF-style: chr14-64634082-G-A.
Other names: c.16737G>A, p.Thr5579= (NM_015180.6).
Identifiers: ClinVar variation 650923 (VCV000650923.32), dbSNP rs147156341, ClinGen allele CA7223471.

ClinVar aggregate classification (germline): Likely benign. Review status: criteria provided, multiple submitters, no conflicts (2 of 4 stars). 2 submissions from 2 submitters: Likely benign (2). Last evaluated 2022-11-01.

Conditions:
Emery-Dreifuss muscular dystrophy 5, autosomal dominant (EDMD5). Also called: EMERY-DREIFUSS MUSCULAR DYSTROPHY 5. Identifiers: Orphanet 261, MedGen C2751805, MONDO:0013072, OMIM 612999.

Allele frequency attached by ClinVar (database versions not stated): gnomAD 0.00003; TOPMed 0.00004.
gnomAD v4.1: 80 of 1,614,098 alleles (0.005%); highest among the groups gnomAD compares: Non-Finnish European, 0.0061%; no homozygotes.

Submissions (2):

CeGaT Center for Human Genetics Tuebingen
Classification: Likely benign. Last evaluated: 2022-11-01. Review status: criteria provided, single submitter. Criteria: CeGaT Center For Human Genetics Tuebingen Variant Classification Criteria Version 2. Collection method: clinical testing. Allele origin: germline. Affected: yes. Observed: 1 variant allele.
Comment: SYNE2: BP4, BP7

Labcorp Genetics (formerly Invitae), Labcorp
Classification: Likely benign for Emery-Dreifuss muscular dystrophy 5, autosomal dominant. Last evaluated: 2022-07-26. Review status: criteria provided, single submitter. Criteria: Invitae Variant Classification Sherloc (09022015). Collection method: clinical testing. Allele origin: germline.